The following is an entry in ClinVar:

ClinVar aggregate classification (germline): Benign (1 of 4 stars; one submission).

Conditions:
Polycystic liver disease 2 (PCLD2). Also called: Polycystic liver disease 2 with or without kidney cysts. Identifiers: Orphanet 2924, MedGen C4310769, MONDO:0014860, OMIM 617004.

Allele frequency attached by ClinVar (database versions not stated): 1000 Genomes Project 30x 0.92786; gnomAD 0.95867 and 0.95640; 1000 Genomes Project 0.92452; TOPMed 0.95704; gnomAD exomes 0.83333.
gnomAD v4.1: 145,446 of 152,062 alleles (96%); highest among the groups gnomAD compares: Middle Eastern, 99%; 69,711 homozygotes.

Submission:

Illumina Laboratory Services, Illumina
Classification: Benign for Polycystic liver disease 2. Last evaluated: 2018-01-12. Review status: criteria provided, single submitter. Criteria: ICSL Variant Classification Criteria 13 December 2019. Collection method: clinical testing. Allele origin: germline.
Comment: This variant was observed in the ICSL laboratory as part of a predisposition screen in an ostensibly healthy population. It had not been previously curated by ICSL or reported in the Human Gene Mutation Database (HGMD: prior to June 1st, 2018), and was therefore a candidate for classification through an automated scoring system. Utilizing variant allele frequency, disease prevalence and penetrance estimates, and inheritance mode, an automated score was calculated to assess if this variant is too frequent to cause the disease. Based on the score and internal cut-off values, a variant classified as benign is not then subjected to further curation. The score for this variant resulted in a classification of benign for this disease.

NM_007214.5(SEC63):c.*3393C>T

Gene: SEC63 (SEC63 homolog, protein translocation regulator; minus strand). Cytogenetic location: 6q21.
Variant type: single nucleotide variant.
Coding change: c.*3393C>T on transcript NM_007214.5 (MANE Select); 3393 bases downstream of the stop codon, C replaced by T.
Molecular consequence: 3 prime UTR variant.
Genome position (GRCh38, 1-based): chr6:107,868,311, G>A on the plus strand (C>T on the coding strand, the complement: SEC63 is on the minus strand). VCF-style: chr6-107868311-G-A. GRCh37 (hg19) VCF-style: chr6-108189515-G-A.
Identifiers: ClinVar variation 354826 (VCV000354826.5), dbSNP rs592939, ClinGen allele CA10625455.
Genomic context (GRCh38, chr6:107,868,311, plus strand): 5'-GGATGATGATTTGTTGTTTTTGTTTTTTTTCCAAAAAAACCCAACAGGCTGGGCGCAGTG[G>A]CTCATGCCTGTAATGCCAGCACTTTGGGAGGCTGAGGAGGGCTGATCACTTGAGGCCAGG-3'